The following is an entry in ClinVar:

ClinVar aggregate classification (germline): Pathogenic (1 of 4 stars; one submission).

Submission:

Labcorp Genetics (formerly Invitae), Labcorp
Classification: Pathogenic. Last evaluated: 2026-01-14. Review status: criteria provided, single submitter. Criteria: Invitae Variant Classification Sherloc (09022015). Collection method: clinical testing. Allele origin: germline.
Comment: This sequence change creates a premature translational stop signal (p.Gln536*) in the RNF216 gene. It is expected to result in an absent or disrupted protein product. Loss-of-function variants in RNF216 are known to be pathogenic (PMID: 24108619, 25841028). This variant is not present in population databases (gnomAD no frequency). This variant has not been reported in the literature in individuals affected with RNF216-related conditions. For these reasons, this variant has been classified as Pathogenic.

Literature cited by the submitters: PubMed 24108619; PubMed 25841028.

NM_207111.4(RNF216):c.1606C>T (p.Gln536Ter)

Gene: RNF216 (ring finger protein 216; minus strand). Cytogenetic location: 7p22.1.
Variant type: single nucleotide variant.
Coding change: c.1606C>T on transcript NM_207111.4 (MANE Select); coding-DNA position 1606, C replaced by T.
Protein change: p.Gln536Ter; replaces glutamine 536 with a stop codon.
Molecular consequence: nonsense.
Genome position (GRCh38, 1-based): chr7:5,721,071, G>A on the plus strand (C>T on the coding strand, the complement: RNF216 is on the minus strand). VCF-style: chr7-5721071-G-A. GRCh37 (hg19) VCF-style: chr7-5760702-G-A.
Other names: c.1435C>T, p.Gln479Ter (NM_001377156.1, NM_207116.3); short protein forms Q479*, Q536*.
Identifiers: ClinVar variation 4734858 (VCV004734858.1).
Genomic context (GRCh38, chr7:5,721,071, plus strand): 5'-AGACCAGAGCACATCTTCCTACCTCTGCCATCTCTTTGATTTTCTGCTCATAGAACTCCT[G>A]CTCTTGTTGCACAGCTGGAAGGAGAGCACGTCGGTCATAGGACCTACAATGTCGTCGCTT-3'